The following is an entry in ClinVar:

NM_021942.6(TRAPPC11):c.1618A>T (p.Asn540Tyr)

Gene: TRAPPC11 (trafficking protein particle complex subunit 11; plus strand). Cytogenetic location: 4q35.1.
Variant type: single nucleotide variant.
Coding change: c.1618A>T on transcript NM_021942.6 (MANE Select); coding-DNA position 1618, A replaced by T.
Protein change: p.Asn540Tyr; replaces asparagine 540 with tyrosine.
Molecular consequence: missense variant.
Genome position (GRCh38, 1-based): chr4:183,685,134, A>T. VCF-style: chr4-183685134-A-T. GRCh37 (hg19) VCF-style: chr4-184606287-A-T.
Other names: c.1618A>T, p.Asn540Tyr (NM_199053.3); short protein forms N540Y.
Identifiers: ClinVar variation 2148901 (VCV002148901.4), dbSNP rs1561045163, ClinGen allele CA358867967.

ClinVar aggregate classification (germline): Uncertain significance (1 of 4 stars; one submission).

Conditions:
Autosomal recessive limb-girdle muscular dystrophy type R18 (LGMDR18). Also called: MUSCULAR DYSTROPHY, LIMB-GIRDLE, AUTOSOMAL RECESSIVE 18; Limb-girdle muscular dystrophy, type 2S; Autosomal recessive limb-girdle muscular dystrophy type 2S. Identifiers: Orphanet 369840, MedGen C4517996, MONDO:0014144, OMIM 615356.

Submission:

Labcorp Genetics (formerly Invitae), Labcorp
Classification: Uncertain significance for Autosomal recessive limb-girdle muscular dystrophy type R18. Last evaluated: 2022-10-25. Review status: criteria provided, single submitter. Criteria: Invitae Variant Classification Sherloc (09022015). Collection method: clinical testing. Allele origin: germline.
Comment: This sequence change replaces asparagine, which is neutral and polar, with tyrosine, which is neutral and polar, at codon 540 of the TRAPPC11 protein (p.Asn540Tyr). This variant is not present in population databases (gnomAD no frequency). This variant has not been reported in the literature in individuals affected with TRAPPC11-related conditions. Advanced modeling of protein sequence and biophysical properties (such as structural, functional, and spatial information, amino acid conservation, physicochemical variation, residue mobility, and thermodynamic stability) performed at Invitae indicates that this missense variant is not expected to disrupt TRAPPC11 protein function. In summary, the available evidence is currently insufficient to determine the role of this variant in disease. Therefore, it has been classified as a Variant of Uncertain Significance.